The following is an entry in ClinVar:

ClinVar aggregate classification (germline): Uncertain significance (1 of 4 stars; one submission).

Conditions:
Hereditary cancer-predisposing syndrome. Also called: Tumor predisposition; Hereditary neoplastic syndrome; Hereditary Cancer Syndrome; Neoplastic Syndromes, Hereditary. Identifiers: Orphanet 140162, MedGen C0027672, MeSH D009386, MONDO:0015356.

Submission:

Ambry Genetics
Classification: Uncertain significance for Hereditary cancer-predisposing syndrome. Last evaluated: 2025-05-25. Review status: criteria provided, single submitter. Criteria: Ambry Variant Classification Scheme 2023. Collection method: clinical testing. Allele origin: germline.
Comment: The p.I1064V variant (also known as c.3190A>G), located in coding exon 21 of the RAD50 gene, results from an A to G substitution at nucleotide position 3190. The isoleucine at codon 1064 is replaced by valine, an amino acid with highly similar properties. This amino acid position is conserved. In addition, this alteration is predicted to be tolerated by in silico analysis. Based on the available evidence, the clinical significance of this variant remains unclear.

NM_005732.4(RAD50):c.3190A>G (p.Ile1064Val)

Gene: RAD50 (RAD50 double strand break repair protein; plus strand). Cytogenetic location: 5q31.1.
Variant type: single nucleotide variant.
Coding change: c.3190A>G on transcript NM_005732.4 (MANE Select); coding-DNA position 3190, A replaced by G.
Protein change: p.Ile1064Val; replaces isoleucine 1064 with valine.
Molecular consequence: missense variant.
Genome position (GRCh38, 1-based): chr5:132,618,095, A>G. VCF-style: chr5-132618095-A-G. GRCh37 (hg19) VCF-style: chr5-131953787-A-G.
Other names: short protein forms I1064V.
Identifiers: ClinVar variation 3942202 (VCV003942202.1).